The following is an entry in ClinVar:

ClinVar aggregate classification (germline): Pathogenic/Likely pathogenic. Review status: criteria provided, multiple submitters, no conflicts (2 of 4 stars). 2 submissions from 2 submitters: Pathogenic (1); Likely pathogenic (1). Last evaluated 2026-05-03.

Conditions:
Congenital adrenal insufficiency with 46, XY sex reversal OR 46,XY disorder of sex development-adrenal insufficiency due to CYP11A1 deficiency. Also called: P450scc DEFICIENCY; Congenital adrenal insuffiency with 46, XY sex reversal OR 46,XY disorder of sex development-adrenal insufficiency due to CYP11A1 deficiency. Identifiers: Orphanet 168558, MedGen C3151055, MONDO:0013400, OMIM 613743.

Submissions (2):

Myriad Genetics, Inc.
Classification: Pathogenic for Congenital adrenal insufficiency with 46, XY sex reversal OR 46,XY disorder of sex development-adrenal insufficiency due to CYP11A1 deficiency. Last evaluated: 2026-05-03. Review status: criteria provided, single submitter. Criteria: Myriad Autosomal Dominant, Autosomal Recessive and X-Linked Classification Criteria (2023). Collection method: clinical testing. Allele origin: unknown.
Comment: NM_000781.2(CYP11A1):c.391C>T(Q131*) is expected to be pathogenic in the context of congenital adrenal hyperplasia, CYP11A1-related. This variant is predicted to lead to an abnormal or absent protein product due to the creation of a premature termination codon in CYP11A1, a gene where loss-of-function variants are known to be pathogenic. Please note: this variant was assessed in the context of healthy population screening.

Laboratory for Molecular Medicine, Mass General Brigham Personalized Medicine
Classification: Likely pathogenic for Congenital adrenal insufficiency with 46, XY sex reversal OR 46,XY disorder of sex development-adrenal insufficiency due to CYP11A1 deficiency. Last evaluated: 2019-07-25. Review status: criteria provided, single submitter. Criteria: LMM Criteria. Collection method: clinical testing. Allele origin: germline. Inheritance: Autosomal recessive inheritance. Observed: 1 variant allele.
Comment: The p.Gln131X variant in CYP11A1 has not been previously reported in individuals with adrenal insufficiency and was absent from large population studies. This nonsense variant leads to a premature termination codon at position 131, which is predicted to lead to a truncated or absent protein. Loss of function of the CYP11A1 gene is an established disease mechanism in autosomal recessive congenital adrenal insufficiency. In summary, although additional studies are required to fully establish its clinical significance, this variant meets criteria to be classified as likely pathogenic for autosomal recessive congenital adrenal insufficiency. ACMG/AMP Criteria applied: PVS1, PM2.

NM_000781.3(CYP11A1):c.391C>T (p.Gln131Ter)

Gene: CYP11A1 (cytochrome P450 family 11 subfamily A member 1; minus strand). Cytogenetic location: 15q24.1.
Variant type: single nucleotide variant.
Coding change: c.391C>T on transcript NM_000781.3 (MANE Select); coding-DNA position 391, C replaced by T.
Protein change: p.Gln131Ter; replaces glutamine 131 with a stop codon.
Molecular consequence: nonsense. On other transcripts: 5 prime UTR variant (1).
Genome position (GRCh38, 1-based): chr15:74,347,934, G>A on the plus strand (C>T on the coding strand, the complement: CYP11A1 is on the minus strand). VCF-style: chr15-74347934-G-A. GRCh37 (hg19) VCF-style: chr15-74640275-G-A.
Other names: c.-84C>T (NM_001099773.2); short protein forms Q131*.
Identifiers: ClinVar variation 930031 (VCV000930031.5), dbSNP rs2060639501, ClinGen allele CA393150209.